The following is an entry in ClinVar:

NM_000303.3(PMM2):c.527G>T (p.Gly176Val)

Gene: PMM2 (phosphomannomutase 2; plus strand). Cytogenetic location: 16p13.2.
Variant type: single nucleotide variant.
Coding change: c.527G>T on transcript NM_000303.3 (MANE Select); coding-DNA position 527, G replaced by T.
Protein change: p.Gly176Val; replaces glycine 176 with valine.
Molecular consequence: missense variant.
Genome position (GRCh38, 1-based): chr16:8,812,994, G>T. VCF-style: chr16-8812994-G-T. GRCh37 (hg19) VCF-style: chr16-8906851-G-T.
Other names: short protein forms G176V.
Identifiers: ClinVar variation 1328987 (VCV001328987.1), dbSNP rs940938678, ClinGen allele CA394697636.

ClinVar aggregate classification (germline): Likely pathogenic (1 of 4 stars; one submission).

Conditions:
PMM2-congenital disorder of glycosylation. Also called: PMM2-CDG; JAEKEN SYNDROME; PHOSPHOMANNOMUTASE 2 DEFICIENCY; CDG Ia; Congenital disorder of glycosylation, type Ia; CARBOHYDRATE-DEFICIENT GLYCOPROTEIN SYNDROME, TYPE Ia. Identifiers: Orphanet 79318, MedGen C0349653, MONDO:0008907, OMIM 212065.

Submission:

Women's Health and Genetics/Laboratory Corporation of America, LabCorp
Classification: Likely pathogenic for PMM2-congenital disorder of glycosylation. Last evaluated: 2021-11-16. Review status: criteria provided, single submitter. Criteria: LabCorp Variant Classification Summary - May 2015. Collection method: clinical testing. Allele origin: germline.
Comment: Variant summary: PMM2 c.527G>T (p.Gly176Val) results in a non-conservative amino acid change in the encoded protein sequence. Five of five in-silico tools predict a damaging effect of the variant on protein function. The variant was absent in 251478 control chromosomes. c.527G>T has been reported in the literature as a compound heterozygous genotype in at-least one individual affected with Congenital Disorder Of Glycosylation Type 1a (example, LeBizec_2005) based on clinical manifestations, confirmed by western blot patterns of serum N-glycoproteins (transferrin, alpha1 transferrin, haptoglobin, alpha1-acid glycoprotein) and deficient cellular activity of phosphomannomutase in leukocytes and/or cultured fibroblasts from forearm biopsy. At least one publication reports experimental evidence evaluating an impact on protein function. The most pronounced variant effect results in <10% of normal PMM2 enzyme activity activity in an E Coli expression system (LeBizec_2005). No clinical diagnostic laboratories have submitted clinical-significance assessments for this variant to ClinVar after 2014. Based on the evidence outlined above, the variant was classified as likely pathogenic.

Literature cited by the submitters: PubMed 21541725; PubMed 15844218.